The following is an entry in ClinVar:

ClinVar aggregate classification (germline): Conflicting classifications of pathogenicity. Review status: criteria provided, conflicting classifications (1 of 4 stars). 9 submissions from 7 submitters: Uncertain significance (3); Likely benign (6). Last evaluated 2025-10-03.

Conditions:
SPTA1-related disorder. Also called: SPTA1-related disorders; SPTA1-related condition.
Hereditary spherocytosis type 3. Also called: SPTA1-Related Spherocytosis; Spherocytosis type 3. Identifiers: Orphanet 822, MedGen C2678338, MONDO:0010053, OMIM 270970.
Elliptocytosis 2 (EL2). Also called: ELLIPTOCYTOSIS, RHESUS-UNLINKED TYPE. Identifiers: Orphanet 288, MedGen C1851741, MONDO:0007533, OMIM 130600.
Pyropoikilocytosis, hereditary. Also called: Pyropoikilocytosis. Identifiers: MedGen C0520739, MONDO:0009948, OMIM 266140, HP:0004839. Disease mechanism: loss of function.

Allele frequency attached by ClinVar (database versions not stated): ESP Exome Variant Server 0.00122; TOPMed 0.00167; 1000 Genomes Project 30x 0.00203; 1000 Genomes Project 0.00260.
gnomAD v4.1: 947 of 1,613,650 alleles (0.059%); highest among the groups gnomAD compares: African/African-American, 0.55%; 5 homozygotes.

Submissions (9):

Labcorp Genetics (formerly Invitae), Labcorp
Classification: Likely benign. Last evaluated: 2025-10-03. Review status: criteria provided, single submitter. Criteria: Invitae Variant Classification Sherloc (09022015). Collection method: clinical testing. Allele origin: germline.

CeGaT Center for Human Genetics Tuebingen
Classification: Likely benign. Last evaluated: 2025-10-01. Review status: criteria provided, single submitter. Criteria: CeGaT Center For Human Genetics Tuebingen Variant Classification Criteria Version 2. Collection method: clinical testing. Allele origin: germline. Affected: yes. Observed: 6 variant alleles.
Comment: SPTA1: BP4, BS2

PreventionGenetics, part of Exact Sciences
Classification: Likely benign for SPTA1-related condition. Last evaluated: 2025-07-07. Review status: criteria provided, single submitter. Criteria: ACMG Guidelines, 2015. Collection method: clinical testing. Allele origin: germline.
Comment: This variant is classified as likely benign based on ACMG/AMP sequence variant interpretation guidelines (Richards et al. 2015 PMID: 25741868, with internal and published modifications).

ARUP Laboratories, Molecular Genetics and Genomics, ARUP Laboratories
Classification: Likely benign. Last evaluated: 2025-05-30. Review status: criteria provided, single submitter. Criteria: ARUP Molecular Germline Variant Investigation Process 2024. Collection method: clinical testing. Allele origin: germline.

Mayo Clinic Laboratories, Mayo Clinic
Classification: Uncertain significance. Last evaluated: 2025-03-17. Review status: criteria provided, single submitter. Criteria: ACMG Guidelines, 2015. Collection method: clinical testing. Allele origin: germline. Observed: 10 variant alleles.
Comment: BP4

Blueprint Genetics
Classification: Likely benign. Last evaluated: 2024-11-20. Review status: criteria provided, single submitter. Criteria: ACMG Guidelines, 2015. Collection method: clinical testing. Allele origin: germline.

Illumina Laboratory Services, Illumina
Classification: Uncertain significance for Pyropoikilocytosis, hereditary. Last evaluated: 2018-01-13. Review status: criteria provided, single submitter. Criteria: ICSL Variant Classification Criteria 13 December 2019. Collection method: clinical testing. Allele origin: germline.

Illumina Laboratory Services, Illumina
Classification: Uncertain significance for Hereditary spherocytosis type 3. Last evaluated: 2018-01-13. Review status: criteria provided, single submitter. Criteria: ICSL Variant Classification Criteria 13 December 2019. Collection method: clinical testing. Allele origin: germline.

Illumina Laboratory Services, Illumina
Classification: Likely benign for Elliptocytosis 2. Last evaluated: 2018-01-13. Review status: criteria provided, single submitter. Criteria: ICSL Variant Classification Criteria 13 December 2019. Collection method: clinical testing. Allele origin: germline.
Comment: This variant was observed in the ICSL laboratory as part of a predisposition screen in an ostensibly healthy population. It had not been previously curated by ICSL or reported in the Human Gene Mutation Database (HGMD: prior to June 1st, 2018), and was therefore a candidate for classification through an automated scoring system. Utilizing variant allele frequency, disease prevalence and penetrance estimates, and inheritance mode, an automated score was calculated to assess if this variant is too frequent to cause the disease. Based on the score and internal cut-off values, a variant classified as likely benign is not then subjected to further curation. The score for this variant resulted in a classification of likely benign for this disease.

NM_003126.4(SPTA1):c.853C>A (p.Pro285Thr)

Gene: SPTA1 (spectrin alpha, erythrocytic 1; minus strand). Cytogenetic location: 1q23.1.
Variant type: single nucleotide variant.
Coding change: c.853C>A on transcript NM_003126.4 (MANE Select); coding-DNA position 853, C replaced by A.
Protein change: p.Pro285Thr; replaces proline 285 with threonine.
Molecular consequence: missense variant.
Genome position (GRCh38, 1-based): chr1:158,677,794, G>T on the plus strand (C>A on the coding strand, the complement: SPTA1 is on the minus strand). VCF-style: chr1-158677794-G-T. GRCh37 (hg19) VCF-style: chr1-158647584-G-T.
Other names: p.Pro285Thr; short protein forms P285T.
Identifiers: ClinVar variation 293045 (VCV000293045.46), dbSNP rs150007668, ClinGen allele CA1183992.